The following is an entry in ClinVar:

ClinVar aggregate classification (germline): Benign. Review status: criteria provided, multiple submitters, no conflicts (2 of 4 stars). 4 submissions from 3 submitters: Benign (4). Last evaluated 2018-07-21.

Conditions:
Autosomal recessive nonsyndromic hearing loss 31. Also called: WHIRLER, MOUSE, HOMOLOG OF. Identifiers: Orphanet 90636, MedGen C1846839, MONDO:0011767, OMIM 607084.
Usher syndrome type 2D. Also called: USHER SYNDROME, TYPE IID. Identifiers: Orphanet 231178, Orphanet 886, MedGen C1568249, MONDO:0012662, OMIM 611383.

Allele frequency attached by ClinVar (database versions not stated): 1000 Genomes Project 0.27616; 1000 Genomes Project 30x 0.27951; TOPMed 0.33530; gnomAD exomes 0.33812; gnomAD 0.34822 and 0.35348.
gnomAD v4.1: 63,858 of 184,380 alleles (35%); highest among the groups gnomAD compares: Non-Finnish European, 38%; 11,671 homozygotes.

Submissions (5):

GeneDx
Classification: Benign. Last evaluated: 2018-07-21. Review status: criteria provided, single submitter. Criteria: GeneDx Variant Classification Process June 2021. Collection method: clinical testing. Allele origin: germline. Affected: yes.

Illumina Laboratory Services, Illumina
Classification: Benign for Autosomal recessive nonsyndromic hearing loss 31. Last evaluated: 2018-01-13. Review status: criteria provided, single submitter. Criteria: ICSL Variant Classification Criteria 13 December 2019. Collection method: clinical testing. Allele origin: germline.
Comment: This variant was observed in the ICSL laboratory as part of a predisposition screen in an ostensibly healthy population. It had not been previously curated by ICSL or reported in the Human Gene Mutation Database (HGMD: prior to June 1st, 2018), and was therefore a candidate for classification through an automated scoring system. Utilizing variant allele frequency, disease prevalence and penetrance estimates, and inheritance mode, an automated score was calculated to assess if this variant is too frequent to cause the disease. Based on the score and internal cut-off values, a variant classified as benign is not then subjected to further curation. The score for this variant resulted in a classification of benign for this disease.

Illumina Laboratory Services, Illumina
Classification: Benign for Usher syndrome type 2D. Last evaluated: 2018-01-13. Review status: criteria provided, single submitter. Criteria: ICSL Variant Classification Criteria 13 December 2019. Collection method: clinical testing. Allele origin: germline.
Comment: the same text as in the submission from Illumina Laboratory Services, Illumina above.

Breakthrough Genomics
Classification: Benign. Review status: criteria provided, single submitter. Criteria: ACMG Guidelines, 2015. Collection method: not provided. Allele origin: germline. Inheritance: Autosomal recessive inheritance. Affected: yes.

Dr. Peter K. Rogan Lab, Western University
No classification provided (evidence only). Condition: Uterine carcinosarcoma. Review status: no classification provided. Collection method: in vitro. Allele origin: not applicable. Functional consequence: retained intron. Not counted in ClinVar's aggregate classification.

NM_015404.4(WHRN):c.-391C>A

Gene: WHRN (whirlin; minus strand). Cytogenetic location: 9q32.
Variant type: single nucleotide variant.
Coding change: c.-391C>A on transcript NM_015404.4 (MANE Select); 391 bases upstream of the start codon, C replaced by A.
Molecular consequence: 5 prime UTR variant.
Genome position (GRCh38, 1-based): chr9:114,505,192, G>T on the plus strand (C>A on the coding strand, the complement: WHRN is on the minus strand). VCF-style: chr9-114505192-G-T. GRCh37 (hg19) VCF-style: chr9-117267472-G-T.
Other names: NC_000009.11:g.117267472G>T; c.-391C>A (NM_001173425.2).
Identifiers: ClinVar variation 364704 (VCV000364704.9), dbSNP rs4527950, ClinGen allele CA10632098.